The following is an entry in ClinVar:

ClinVar aggregate classification (germline): Uncertain significance (1 of 4 stars; one submission).

Allele frequency attached by ClinVar (database versions not stated): TOPMed below 0.00001; ExAC 0.00003.
gnomAD v4.1: 5 of 1,614,132 alleles (0.00031%); highest among the groups gnomAD compares: Admixed American, 0.0083%; no homozygotes.

Submission:

Labcorp Genetics (formerly Invitae), Labcorp
Classification: Uncertain significance. Last evaluated: 2022-03-11. Review status: criteria provided, single submitter. Criteria: Invitae Variant Classification Sherloc (09022015). Collection method: clinical testing. Allele origin: germline.
Comment: This sequence change replaces glutamic acid, which is acidic and polar, with aspartic acid, which is acidic and polar, at codon 688 of the PNPT1 protein (p.Glu688Asp). This variant is present in population databases (rs780574835, gnomAD 0.01%). This variant has not been reported in the literature in individuals affected with PNPT1-related conditions. Advanced modeling of protein sequence and biophysical properties (such as structural, functional, and spatial information, amino acid conservation, physicochemical variation, residue mobility, and thermodynamic stability) performed at Invitae indicates that this missense variant is expected to disrupt PNPT1 protein function. In summary, the available evidence is currently insufficient to determine the role of this variant in disease. Therefore, it has been classified as a Variant of Uncertain Significance.

NM_033109.5(PNPT1):c.2064A>T (p.Glu688Asp)

Gene: PNPT1 (polyribonucleotide nucleotidyltransferase 1; minus strand). Cytogenetic location: 2p16.1.
Variant type: single nucleotide variant.
Coding change: c.2064A>T on transcript NM_033109.5 (MANE Select); coding-DNA position 2064, A replaced by T.
Protein change: p.Glu688Asp; replaces glutamic acid 688 with aspartic acid.
Molecular consequence: missense variant.
Genome position (GRCh38, 1-based): chr2:55,643,163, T>A on the plus strand (A>T on the coding strand, the complement: PNPT1 is on the minus strand). VCF-style: chr2-55643163-T-A. GRCh37 (hg19) VCF-style: chr2-55870298-T-A.
Other names: short protein forms E688D.
Identifiers: ClinVar variation 2108896 (VCV002108896.1), dbSNP rs780574835, ClinGen allele CA1667827.